The following is an entry in ClinVar:

ClinVar aggregate classification (germline): Pathogenic/Likely pathogenic. Review status: criteria provided, multiple submitters, no conflicts (2 of 4 stars). 3 submissions from 3 submitters: Pathogenic (1); Likely pathogenic (1). 1 of the submissions does not count toward it. Last evaluated 2023-09-18.

Conditions:
Developmental delay, impaired speech, and behavioral abnormalities, with or without seizures (DEDISB). Identifiers: MedGen C5575272, MONDO:0859263, OMIM 619964.

Submissions (3):

Pittsburgh Clinical Genomics Laboratory, University of Pittsburgh Medical Center
Classification: Likely pathogenic for Developmental delay, impaired speech, and behavioral abnormalities, with or without seizures. Last evaluated: 2023-09-18. Review status: criteria provided, single submitter. Criteria: ACMG Guidelines, 2015. Collection method: clinical testing. Allele origin: germline. Inheritance: Autosomal dominant inheritance. Affected: yes.
Comment: This sequence variant is a single nucleotide duplication (dupG) in exon 33 of 39 of the ARFGEF1 gene and results in an early termition codon 7 amino acids downstream of the frameshift at Pro1553. This variant is predicted to generate a non-functiol allele through either the expression of a truncated protein or a loss of ADP ribosylation factor guanine nucleotide exchange factor 1 expression due to nonsense mediated decay. This is a previously reported variant (ClinVar 2072634) that has not been observed in the literature in individuals affected by ARFGEF1-related disorders, to our knowledge. This variant is present in 7 of 240602 alleles (0.0029%) in the gnomAD population dataset. Haploinsufficiency in ARFGEF1 is a known mechanism of disease. Based upon the evidence, we consider this variant to be likely pathogenic. ACMG Criteria: PM2, PVS1

Labcorp Genetics (formerly Invitae), Labcorp
Classification: Pathogenic. Last evaluated: 2022-11-11. Review status: criteria provided, single submitter. Criteria: Invitae Variant Classification Sherloc (09022015). Collection method: clinical testing. Allele origin: germline.
Comment: The frequency data for this variant in the population databases is considered unreliable, as metrics indicate poor data quality at this position in the gnomAD database. This sequence change creates a premature translational stop signal (p.Pro1553Thrfs*7) in the ARFGEF1 gene. It is expected to result in an absent or disrupted protein product. Loss-of-function variants in ARFGEF1 are known to be pathogenic (PMID: 34113008). This variant has not been reported in the literature in individuals affected with ARFGEF1-related conditions. For these reasons, this variant has been classified as Pathogenic.

Molecular Genetics Laboratory, BC Children's and BC Women's Hospitals
Classification: Uncertain significance for Developmental delay, impaired speech, and behavioral abnormalities, with or without seizures. Last evaluated: 2024-06-26. Review status: no assertion criteria provided. Criteria: ACMG Guidelines, 2015. Collection method: clinical testing. Allele origin: paternal. Affected: yes. Not counted in ClinVar's aggregate classification.

Literature cited by the submitters: PubMed 34113008 (cited by Labcorp Genetics (formerly Invitae), Labcorp).

NM_006421.5(ARFGEF1):c.4655dup (p.Pro1553fs)

Gene: ARFGEF1 (ARF guanine nucleotide exchange factor 1; minus strand). Cytogenetic location: 8q13.2.
Variant type: Duplication.
Coding change: c.4655dup on transcript NM_006421.5 (MANE Select); coding-DNA position 4655, one base duplicated (C; older notation c.4655dupC).
Protein change: p.Pro1553fs; shifts the reading frame from proline 1553.
Molecular consequence: frameshift variant.
Genome position (GRCh38, 1-based): chr8:67,216,621, G duplicated on the plus strand (C on the coding strand, the reverse complement: ARFGEF1 is on the minus strand); the first of 7 consecutive G bases (chr8:67,216,621-67,216,627); duplicating any one gives the same sequence. VCF-style (leftmost placement, unchanged base first): chr8-67216620-T-TG. GRCh37 (hg19) VCF-style: chr8-68128855-T-TG.
Other names: c.4649dup, p.Pro1553Thrfs (NM_001413184.1, NM_001413185.1, NM_001413186.1 and 5 more transcripts); c.4049dup, p.Pro1353Thrfs (NM_001413188.1, NM_001413193.1, NM_001413197.1); c.4643dup, p.Pro1551Thrfs (NM_001413190.1); c.3224dup, p.Pro1078Thrfs (NM_001413196.1); short protein forms P1553fs.
Identifiers: ClinVar variation 2072634 (VCV002072634.6), dbSNP rs774148781, ClinGen allele CA4771531.